The following is an entry in ClinVar:

ClinVar aggregate classification (germline): Pathogenic/Likely pathogenic. Review status: criteria provided, multiple submitters, no conflicts (2 of 4 stars). 12 submissions from 12 submitters: Pathogenic (5); Likely pathogenic (5). 2 of the submissions do not count toward it. Last evaluated 2026-08-01.

Conditions:
Orofaciodigital syndrome 16. Also called: OROFACIODIGITAL SYNDROME XVI; OFDS XVI; ORAL-FACIAL-DIGITAL SYNDROME, TYPE XVI. Identifiers: MedGen C4539729, MONDO:0033045, OMIM 617563.
Meckel syndrome 13 (MKS13). Identifiers: MedGen C4539714, MONDO:0033044, OMIM 617562.
SNORD118 & TMEM107-related disorders.
Leukoencephalopathy with calcifications and cysts. Also called: Leukoencephalopathy, brain calcifications, and cysts; LABRUNE SYNDROME. Identifiers: Orphanet 542310, MedGen C3281200, MONDO:0013803, OMIM 614561.
Meckel-Gruber syndrome. Also called: DYSENCEPHALIA SPLANCHNOCYSTICA; GRUBER SYNDROME; Dysencephalia splachnocystica. Identifiers: Orphanet 564, MedGen C0265215, MONDO:0018921.

Allele frequency attached by ClinVar (database versions not stated): 1000 Genomes Project 30x 0.00062; 1000 Genomes Project 0.00080; gnomAD 0.00162; ESP Exome Variant Server 0.00174; TOPMed 0.00210.

Submissions (12):

CeGaT Center for Human Genetics Tuebingen
Classification: Pathogenic. Last evaluated: 2026-08-01. Review status: criteria provided, single submitter. Criteria: CeGaT Center For Human Genetics Tuebingen Variant Classification Criteria Version 2. Collection method: clinical testing. Allele origin: germline. Affected: yes. Observed: 15 variant alleles.
Comment: SNORD118: PM3:Very Strong, PM2:Supporting, PS3:Supporting

GeneDx
Classification: Likely pathogenic. Last evaluated: 2026-03-19. Review status: criteria provided, single submitter. Criteria: GeneDx Variant Classification Process June 2021. Collection method: clinical testing. Allele origin: germline.
Comment: Functional studies provide conflicting evidence, with one study suggesting this variant alters processing of the precursor U8 snoRNAs while another study suggests this variant is functional (PMID: 27571260, 32359472); Located in the 3' extension of the U8 snoRNA non-coding RNA; Not expected to affect secondary structure/function based on location and conservation information; This variant is associated with the following publications: (PMID: 32359472, 33029936, 34426522, 39031459, 37761957, 36697224, 34937159, 34986804, 34220662, 32400930, 34380746, 31521395, 32358219, 31912665, 27571260)

Blueprint Genetics
Classification: Pathogenic for SNORD118 & TMEM107-related disorders. Last evaluated: 2024-11-27. Review status: criteria provided, single submitter. Criteria: ACMG Guidelines, 2015. Collection method: clinical testing. Allele origin: germline. Affected: yes. Observed: 5 variant alleles.

Institute of Medical Genetics and Applied Genomics, University Hospital Tübingen
Classification: Pathogenic for Leukoencephalopathy with calcifications and cysts. Last evaluated: 2024-01-03. Review status: criteria provided, single submitter. Criteria: ACMG Guidelines, 2015. Collection method: clinical testing. Allele origin: germline. Inheritance: Autosomal recessive inheritance. Affected: yes.

Department of Pathology and Laboratory Medicine, Sinai Health System
Classification: Likely pathogenic for Meckel-Gruber syndrome. Last evaluated: 2023-09-27. Review status: criteria provided, single submitter. Criteria: ACMG Guidelines, 2015. Collection method: research. Allele origin: germline.

HudsonAlpha Institute for Biotechnology
Classification: Pathogenic for Leukoencephalopathy with calcifications and cysts. Last evaluated: 2023-08-25. Review status: criteria provided, single submitter. Criteria: ACMG Guidelines, 2015. Collection method: research. Allele origin: maternal. Affected: yes. Observed: 1 variant allele. Study: HudsonAlpha-AGHI-WGS.

3billion
Classification: Likely pathogenic for Leukoencephalopathy with calcifications and cysts. Last evaluated: 2023-08-07. Review status: criteria provided, single submitter. Criteria: ACMG Guidelines, 2015. Collection method: clinical testing. Allele origin: germline. Affected: yes.
Comment: The variant is observed at an extremely low frequency in the gnomAD v2.1.1 dataset (total allele frequency: 0.192%). Predicted Consequence: Non-coding transcript non-coding variant. The variant has been reported to be in trans with a pathogenic variant as either compound heterozygous or homozygous in at least 2 similarly affected unrelated individuals (PMID: 27571260 / 3billion dataset). Functional studies provide moderate evidence of the variant having a damaging effect on the gene or gene product (PMID: 27571260). The variant has been reported to be associated with SNORD118-related disorder (ClinVar ID: VCV000929273). Therefore, the variant is classified as likely pathogenic according to the recommendation of ACMG/AMP guideline.

Revvity Omics, Revvity
Classification: Pathogenic. Last evaluated: 2022-06-15. Review status: criteria provided, single submitter. Criteria: ACMG Guidelines, 2015. Collection method: clinical testing. Allele origin: germline.

Juno Genomics, Hangzhou Juno Genomics, Inc
Classification: Likely pathogenic for Meckel syndrome 13; Orofaciodigital syndrome 16. Review status: criteria provided, single submitter. Criteria: ACMG Guidelines, 2015. Collection method: clinical testing. Allele origin: germline. Affected: yes.
Comment: For recessive disorders, detected in trans with a pathogenic variant.

Neuberg Centre For Genomic Medicine, NCGM
Classification: Likely pathogenic for Orofaciodigital syndrome 16. Review status: criteria provided, single submitter. Criteria: ACMG Guidelines, 2015. Collection method: clinical testing. Allele origin: germline. Inheritance: Autosomal recessive inheritance. Affected: yes.

Laboratory of Neurogenetics and Neuroinflammation, Institut Imagine
Classification: Pathogenic for Leukoencephalopathy, brain calcifications, and cysts. Last evaluated: 2020-04-06. Review status: no assertion criteria provided. Collection method: clinical testing. Allele origin: germline. Affected: yes. Observed: 12 variant alleles. Not counted in ClinVar's aggregate classification.

OMIM
Classification: Pathogenic for LEUKOENCEPHALOPATHY, BRAIN CALCIFICATIONS, AND CYSTS. Last evaluated: 2016-10-10. Review status: no assertion criteria provided. Collection method: literature only. Allele origin: germline. Not counted in ClinVar's aggregate classification.

Literature cited by the submitters: PubMed 27571260 (cited by 3billion and OMIM); PubMed 31521395 (cited by Laboratory of Neurogenetics and Neuroinflammation, Institut Imagine).

NM_183065.4(TMEM107):c.*759C>T

Genes: SNORD118 (small nucleolar RNA, C/D box 118; minus strand), TMEM107 (transmembrane protein 107; minus strand). Cytogenetic location: 17p13.1.
Variant type: single nucleotide variant.
Coding change: c.*759C>T on transcript NM_183065.4 (MANE Select); 759 bases downstream of the stop codon, C replaced by T.
Molecular consequence: 3 prime UTR variant. On other transcripts: non-coding transcript variant (1).
Genome position (GRCh38, 1-based): chr17:8,173,444, G>A on the plus strand (C>T on the coding strand, the complement: TMEM107 is on the minus strand). VCF-style: chr17-8173444-G-A. GRCh37 (hg19) VCF-style: chr17-8076762-G-A.
Other names: TER9C-T; c.*759C>T (NM_001351278.2, NM_001351279.2, NM_001351280.2 and 1 more transcripts).
Identifiers: ClinVar variation 265788 (VCV000265788.51), dbSNP rs201787275, ClinGen allele CA8370542.